The following is an entry in ClinVar:

NM_001378452.1(ITPR1):c.7175G>A (p.Arg2392Gln)

Gene: ITPR1 (inositol 1,4,5-trisphosphate receptor type 1; plus strand). Cytogenetic location: 3p26.1.
Variant type: single nucleotide variant.
Coding change: c.7175G>A on transcript NM_001378452.1 (MANE Select); coding-DNA position 7175, G replaced by A.
Protein change: p.Arg2392Gln; replaces arginine 2392 with glutamine.
Molecular consequence: missense variant.
Genome position (GRCh38, 1-based): chr3:4,806,170, G>A. VCF-style: chr3-4806170-G-A. GRCh37 (hg19) VCF-style: chr3-4847854-G-A.
Other names: c.7031G>A, p.Arg2344Gln (NM_001099952.4); c.7130G>A, p.Arg2377Gln (NM_001168272.2); c.6986G>A, p.Arg2329Gln (NM_002222.7); short protein forms R2377Q, R2392Q, R2329Q, R2344Q.
Identifiers: ClinVar variation 4040402 (VCV004040402.2).

ClinVar aggregate classification (germline): Uncertain significance. Review status: criteria provided, multiple submitters, no conflicts (2 of 4 stars). 2 submissions from 2 submitters: Uncertain significance (2). Last evaluated 2026-03-03.

Conditions:
Inborn genetic diseases. Identifiers: MedGen C0950123, MeSH D030342.

gnomAD v4.1: 7 of 1,613,704 alleles (0.00043%); highest among the groups gnomAD compares: East Asian, 0.0022%; no homozygotes.

Submissions (2):

GeneDx
Classification: Uncertain significance. Last evaluated: 2026-03-03. Review status: criteria provided, single submitter. Criteria: GeneDx Variant Classification Process June 2021. Collection method: clinical testing. Allele origin: germline.
Comment: In silico analysis suggests that this missense variant does not alter protein structure/function; Has not been previously published as pathogenic or benign to our knowledge

Ambry Genetics
Classification: Uncertain significance for Inborn genetic diseases. Last evaluated: 2025-03-25. Review status: criteria provided, single submitter. Criteria: Ambry Variant Classification Scheme 2023. Collection method: clinical testing. Allele origin: germline.